The following is an entry in ClinVar:

NM_004415.4(DSP):c.3473T>G (p.Leu1158Ter)

Gene: DSP (desmoplakin; plus strand). Cytogenetic location: 6p24.3.
Variant type: single nucleotide variant.
Coding change: c.3473T>G on transcript NM_004415.4 (MANE Select); coding-DNA position 3473, T replaced by G.
Protein change: p.Leu1158Ter; replaces leucine 1158 with a stop codon.
Molecular consequence: nonsense.
Genome position (GRCh38, 1-based): chr6:7,579,663, T>G. VCF-style: chr6-7579663-T-G. GRCh37 (hg19) VCF-style: chr6-7579896-T-G.
Other names: c.3473T>G, p.Leu1158Ter (NM_001008844.3, NM_001319034.2); short protein forms L1158*.
Identifiers: ClinVar variation 1731762 (VCV001731762.2), dbSNP rs747028124, ClinGen allele CA362684141.
Genomic context (GRCh38, chr6:7,579,663, plus strand): 5'-ACTATGACCAACTGCAGAAAGCAAGGCAATGTGAAAAGGAGAACCTTGGTTGGCAGAAAT[T>G]AGAGTCTGAGAAAGCCATCAAGGAGAAGGAGTACGAGATTGAAAGGTTGAGGGTTCTACT-3'

ClinVar aggregate classification (germline): Pathogenic (1 of 4 stars; one submission).

Conditions:
Cardiovascular phenotype. Identifiers: MedGen CN230736.

Submission:

Ambry Genetics
Classification: Pathogenic for Cardiovascular phenotype. Last evaluated: 2019-07-18. Review status: criteria provided, single submitter. Criteria: Ambry Variant Classification Scheme 2023. Collection method: clinical testing. Allele origin: germline.
Comment: The p.L1158* pathogenic mutation (also known as c.3473T>G), located in coding exon 23 of the DSP gene, results from a T to G substitution at nucleotide position 3473. This changes the amino acid from a leucine to a stop codon within coding exon 23. Alterations in DSP that result in haploinsufficiency or protein truncation have been reported in patients with arrhythmogenic right ventricular cardiomyopathy (ARVC) and dilated cardiomyopathy (DCM) (Fressart V et al. Europace. 2010;12(6):861-8; Elliott P et al. Circ Cardiovasc Genet. 2010;3(4):314-22; Quarta G et al. Circulation. 2011;123(23):2701-9; Garcia-Pavia P et al. Heart. 2011;97(21):1744-52; Rasmussen TB et al. Clin Genet. 2013;84(1):20-30; Pugh TJ et al. Genet Med. 2014;16(8):601-8). This alteration is expected to result in loss of function by premature protein truncation or nonsense-mediated mRNA decay. As such, this alteration is interpreted as a disease-causing mutation.